The following is an entry in ClinVar:

ClinVar aggregate classification (germline): Uncertain significance (1 of 4 stars; one submission).

Conditions:
Episodic ataxia type 2 (EA2). Also called: ATAXIA, EPISODIC, WITH NYSTAGMUS; ATAXIA, FAMILIAL PAROXYSMAL; CEREBELLAR ATAXIA, PAROXYSMAL, ACETAZOLAMIDE-RESPONSIVE; CEREBELLOPATHY, HEREDITARY PAROXYSMAL; EPISODIC ATAXIA, NYSTAGMUS-ASSOCIATED; ACETAZOLAMIDE-RESPONSIVE HEREDITARY PAROXYSMAL CEREBELLAR ATAXIA. Identifiers: Orphanet 97, MedGen C1720416, MONDO:0007163, OMIM 108500.
Developmental and epileptic encephalopathy, 42 (DEE42A). Also called: DEVELOPMENTAL AND EPILEPTIC ENCEPHALOPATHY 42A; EPILEPTIC ENCEPHALOPATHY, EARLY INFANTILE, 42A; Epileptic encephalopathy, early infantile, 42. Identifiers: MedGen C4310716, MONDO:0014917, OMIM 617106.

Allele frequency attached by ClinVar (database versions not stated): gnomAD exomes below 0.00001; TOPMed 0.00001.
gnomAD v4.1: 4 of 1,575,770 alleles (0.00025%); highest among the groups gnomAD compares: Non-Finnish European, 0.00026%; no homozygotes.

Submission:

Labcorp Genetics (formerly Invitae), Labcorp
Classification: Uncertain significance for Developmental and epileptic encephalopathy, 42; Episodic ataxia type 2. Last evaluated: 2021-06-02. Review status: criteria provided, single submitter. Criteria: Invitae Variant Classification Sherloc (09022015). Collection method: clinical testing. Allele origin: germline.
Comment: This sequence change replaces glutamine with glutamic acid at codon 937 of the CACNA1A protein (p.Gln937Glu). The glutamine residue is weakly conserved and there is a small physicochemical difference between glutamine and glutamic acid. This variant is not present in population databases (ExAC no frequency). This variant has not been reported in the literature in individuals with CACNA1A-related conditions. Advanced modeling of protein sequence and biophysical properties (such as structural, functional, and spatial information, amino acid conservation, physicochemical variation, residue mobility, and thermodynamic stability) performed at Invitae indicates that this missense variant is not expected to disrupt CACNA1A protein function. In summary, the available evidence is currently insufficient to determine the role of this variant in disease. Therefore, it has been classified as a Variant of Uncertain Significance.

NM_001127222.2(CACNA1A):c.2806C>G (p.Gln936Glu)

Gene: CACNA1A (calcium voltage-gated channel subunit alpha1 A; minus strand). Cytogenetic location: 19p13.13.
Variant type: single nucleotide variant.
Coding change: c.2806C>G on transcript NM_001127222.2 (MANE Select); coding-DNA position 2806, C replaced by G.
Protein change: p.Gln936Glu; replaces glutamine 936 with glutamic acid.
Molecular consequence: missense variant.
Genome position (GRCh38, 1-based): chr19:13,298,827, G>C on the plus strand (C>G on the coding strand, the complement: CACNA1A is on the minus strand). VCF-style: chr19-13298827-G-C. GRCh37 (hg19) VCF-style: chr19-13409641-G-C.
Other names: c.2818C>G, p.Gln940Glu (NM_000068.4, NM_023035.3); c.2809C>G, p.Gln937Glu (NM_001127221.2, NM_001174080.2); short protein forms Q936E, Q937E, Q940E.
Identifiers: ClinVar variation 1357109 (VCV001357109.8), dbSNP rs1318353774, ClinGen allele CA404342679.